The following is an entry in ClinVar:

ClinVar aggregate classification (germline): Likely benign (1 of 4 stars; one submission).

Allele frequency attached by ClinVar (database versions not stated): 1000 Genomes Project 30x 0.00016; ESP Exome Variant Server 0.00017; 1000 Genomes Project 0.00020; TOPMed 0.00022; gnomAD exomes 0.00039; gnomAD 0.00068; ExAC 0.00086.
gnomAD v4.1: 646 of 1,566,994 alleles (0.041%); highest among the groups gnomAD compares: East Asian, 0.13%; 2 homozygotes.

Submission:

CeGaT Center for Human Genetics Tuebingen
Classification: Likely benign. Last evaluated: 2022-10-01. Review status: criteria provided, single submitter. Criteria: CeGaT Center For Human Genetics Tuebingen Variant Classification Criteria Version 2. Collection method: clinical testing. Allele origin: germline. Affected: yes. Observed: 1 variant allele.
Comment: ZCCHC4: BP4, BP7

NM_024936.3(ZCCHC4):c.711T>C (p.Asp237=)

Gene: ZCCHC4 (zinc finger CCHC-type containing 4; plus strand). Cytogenetic location: 4p15.2.
Variant type: single nucleotide variant.
Coding change: c.711T>C on transcript NM_024936.3 (MANE Select); coding-DNA position 711, T replaced by C.
Protein change: p.Asp237=; no amino-acid change (aspartic acid 237 retained).
Molecular consequence: synonymous variant.
Genome position (GRCh38, 1-based): chr4:25,345,572, T>C. VCF-style: chr4-25345572-T-C. GRCh37 (hg19) VCF-style: chr4-25347194-T-C.
Other names: c.711T>C, p.Asp237= (NM_001318148.2).
Identifiers: ClinVar variation 2654699 (VCV002654699.24), dbSNP rs374438086, ClinGen allele CA2878255.